The following is an entry in ClinVar:

ClinVar aggregate classification (germline): Likely benign (0 of 4 stars; one submission).

Conditions:
HACE1-related disorder. Also called: HACE1-related condition.

Submission:

PreventionGenetics, part of Exact Sciences
Classification: Likely benign for HACE1-related condition. Last evaluated: 2022-04-28. Review status: no assertion criteria provided. Collection method: clinical testing. Allele origin: germline.
Comment: This variant is classified as likely benign based on ACMG/AMP sequence variant interpretation guidelines (Richards et al. 2015 PMID: 25741868, with internal and published modifications).

NM_020771.4(HACE1):c.2627+8G>T

Gene: HACE1 (HECT domain and ankyrin repeat containing E3 ubiquitin protein ligase 1; minus strand). Cytogenetic location: 6q16.3.
Variant type: single nucleotide variant.
Coding change: c.2627+8G>T on transcript NM_020771.4 (MANE Select); 8 bases into the intron after coding-DNA position 2627, G replaced by T.
Molecular consequence: intron variant.
Genome position (GRCh38, 1-based): chr6:104,730,295, C>A on the plus strand (G>T on the coding strand, the complement: HACE1 is on the minus strand). VCF-style: chr6-104730295-C-A. GRCh37 (hg19) VCF-style: chr6-105178170-C-A.
Other names: c.2336+8G>T (NM_001350555.2); c.1844+8G>T (NM_001350560.2); c.2123+8G>T (NM_001350557.2, NM_001350558.2, NM_001321084.2); c.2141+8G>T (NM_001350556.2); c.2045+8G>T (NM_001350559.2); c.2495+8G>T (NM_001321080.2); c.2393+8G>T (NM_001350554.2); c.2525+8G>T (NM_001321083.2).
Identifiers: ClinVar variation 3047819 (VCV003047819.2), dbSNP rs2482508772, ClinGen allele CA2679813731.